The following is an entry in ClinVar:

ClinVar aggregate classification (germline): Uncertain significance (1 of 4 stars; one submission).

Conditions:
Joubert syndrome. Also called: CEREBELLOPARENCHYMAL DISORDER IV; JOUBERT-BOLTSHAUSER SYNDROME; Familial aplasia of the vermis. Identifiers: Orphanet 475, MedGen C5979921, MONDO:0018772.
Meckel-Gruber syndrome. Also called: DYSENCEPHALIA SPLANCHNOCYSTICA; GRUBER SYNDROME; Dysencephalia splachnocystica. Identifiers: Orphanet 564, MedGen C0265215, MONDO:0018921.

Allele frequency attached by ClinVar (database versions not stated): TOPMed below 0.00001; gnomAD 0.00001.
gnomAD v4.1: 1 of 1,613,384 alleles (0.000062%); highest among the groups gnomAD compares: African/African-American, 0.0013%; no homozygotes.

Submission:

Labcorp Genetics (formerly Invitae), Labcorp
Classification: Uncertain significance for Joubert syndrome; Meckel-Gruber syndrome. Last evaluated: 2022-01-04. Review status: criteria provided, single submitter. Criteria: Invitae Variant Classification Sherloc (09022015). Collection method: clinical testing. Allele origin: germline.
Comment: In summary, the available evidence is currently insufficient to determine the role of this variant in disease. Therefore, it has been classified as a Variant of Uncertain Significance. Algorithms developed to predict the effect of missense changes on protein structure and function are either unavailable or do not agree on the potential impact of this missense change (SIFT: "Tolerated"; PolyPhen-2: "Possibly Damaging"; Align-GVGD: "Class C0"). This variant has not been reported in the literature in individuals affected with B9D1-related conditions. This variant is not present in population databases (gnomAD no frequency). This sequence change replaces asparagine, which is neutral and polar, with serine, which is neutral and polar, at codon 78 of the B9D1 protein (p.Asn78Ser).

NM_015681.6(B9D1):c.233A>G (p.Asn78Ser)

Gene: B9D1 (B9 domain containing 1; minus strand). Cytogenetic location: 17p11.2.
Variant type: single nucleotide variant.
Coding change: c.233A>G on transcript NM_015681.6 (MANE Select); coding-DNA position 233, A replaced by G.
Protein change: p.Asn78Ser; replaces asparagine 78 with serine.
Molecular consequence: missense variant. On other transcripts: 5 prime UTR variant (1).
Genome position (GRCh38, 1-based): chr17:19,357,851, T>C on the plus strand (A>G on the coding strand, the complement: B9D1 is on the minus strand). VCF-style: chr17-19357851-T-C. GRCh37 (hg19) VCF-style: chr17-19261164-T-C.
Other names: c.233A>G, p.Asn78Ser (NM_001321214.2, NM_001321215.3, NM_001321216.2 and 4 more transcripts); c.-128A>G (NM_001368769.2); short protein forms N78S.
Identifiers: ClinVar variation 2178002 (VCV002178002.2), dbSNP rs1364533835, ClinGen allele CA398698494.